The following is an entry in ClinVar:

NM_002386.4(MC1R):c.663C>T (p.Ile221=)

Gene: MC1R (melanocortin 1 receptor; plus strand). Cytogenetic location: 16q24.3.
Variant type: single nucleotide variant.
Coding change: c.663C>T on transcript NM_002386.4 (MANE Select); coding-DNA position 663, C replaced by T.
Protein change: p.Ile221=; no amino-acid change (isoleucine 221 retained).
Molecular consequence: synonymous variant.
Genome position (GRCh38, 1-based): chr16:89,919,921, C>T. VCF-style: chr16-89919921-C-T. GRCh37 (hg19) VCF-style: chr16-89986329-C-T.
Other names: c.663C>T (NM_002386.3).
Identifiers: ClinVar variation 1083780 (VCV001083780.12), dbSNP rs375672150, ClinGen allele CA8255701.
Genomic context (GRCh38, chr16:89,919,921, plus strand): 5'-GCTCATGGCCGTGCTGTACGTCCACATGCTGGCCCGGGCCTGCCAGCACGCCCAGGGCAT[C>T]GCCCGGCTCCACAAGAGGCAGCGCCCGGTCCACCAGGGCTTTGGCCTTAAAGGCGCTGTC-3'
Protein context (NP_002377.4, residues 211-231): LARACQHAQG[Ile221=]ARLHKRQRPV

ClinVar aggregate classification (germline): Likely benign. Review status: criteria provided, multiple submitters, no conflicts (2 of 4 stars). 3 submissions from 3 submitters: Likely benign (2). 1 of the submissions does not count toward it. Last evaluated 2024-12-07.

Conditions:
MC1R-related disorder. Also called: MC1R-related condition.
Melanoma, cutaneous malignant, susceptibility to, 5. Also called: Cutaneous malignant melanoma 5. Identifiers: Orphanet 618, MedGen C2751295, MONDO:0013133, OMIM 613099.

Allele frequency attached by ClinVar (database versions not stated): gnomAD exomes 0.00003 and 0.00006; TOPMed 0.00003; gnomAD 0.00004; ExAC 0.00007; ESP Exome Variant Server 0.00008.
gnomAD v4.1: 46 of 1,609,280 alleles (0.0029%); highest among the groups gnomAD compares: Admixed American, 0.012%; no homozygotes.

Submissions (3):

Ambry Genetics
Classification: Likely benign. Last evaluated: 2024-12-07. Review status: criteria provided, single submitter. Criteria: Ambry Variant Classification Scheme 2023. Collection method: clinical testing. Allele origin: germline.

Labcorp Genetics (formerly Invitae), Labcorp
Classification: Likely benign for Melanoma, cutaneous malignant, susceptibility to, 5. Last evaluated: 2024-09-30. Review status: criteria provided, single submitter. Criteria: Invitae Variant Classification Sherloc (09022015). Collection method: clinical testing. Allele origin: germline.

PreventionGenetics, part of Exact Sciences
Classification: Likely benign for MC1R-related condition. Last evaluated: 2021-11-06. Review status: no assertion criteria provided. Collection method: clinical testing. Allele origin: germline. Not counted in ClinVar's aggregate classification.
Comment: This variant is classified as likely benign based on ACMG/AMP sequence variant interpretation guidelines (Richards et al. 2015 PMID: 25741868, with internal and published modifications).